The following is an entry in ClinVar:

ClinVar aggregate classification (germline): Benign. Review status: criteria provided, multiple submitters, no conflicts (2 of 4 stars). 2 submissions from 2 submitters: Benign (2). Last evaluated 2026-06-01.

Allele frequency attached by ClinVar (database versions not stated): ESP Exome Variant Server 0.00684; gnomAD 0.00827 and 0.00884; TOPMed 0.00942; 1000 Genomes Project 30x 0.01889; 1000 Genomes Project 0.02017.
gnomAD v4.1: 6,497 of 1,613,670 alleles (0.4%); highest among the groups gnomAD compares: East Asian, 3.4%; 90 homozygotes.

Submissions (2):

CeGaT Center for Human Genetics Tuebingen
Classification: Benign. Last evaluated: 2026-06-01. Review status: criteria provided, single submitter. Criteria: CeGaT Center For Human Genetics Tuebingen Variant Classification Criteria Version 2. Collection method: clinical testing. Allele origin: germline. Affected: yes. Observed: 2 variant alleles.
Comment: ROS1: BP4, BS1, BS2

Labcorp Genetics (formerly Invitae), Labcorp
Classification: Benign. Last evaluated: 2018-07-27. Review status: criteria provided, single submitter. Criteria: Invitae Variant Classification Sherloc (09022015). Collection method: clinical testing. Allele origin: germline.

NM_001378902.1(ROS1):c.5686G>A (p.Glu1896Lys)

Gene: ROS1 (ROS proto-oncogene 1, receptor tyrosine kinase; minus strand). Cytogenetic location: 6q22.1.
Variant type: single nucleotide variant.
Coding change: c.5686G>A on transcript NM_001378902.1 (MANE Select); coding-DNA position 5686, G replaced by A.
Protein change: p.Glu1896Lys; replaces glutamic acid 1896 with lysine.
Molecular consequence: missense variant.
Genome position (GRCh38, 1-based): chr6:117,321,332, C>T on the plus strand (G>A on the coding strand, the complement: ROS1 is on the minus strand). VCF-style: chr6-117321332-C-T. GRCh37 (hg19) VCF-style: chr6-117642495-C-T.
Other names: c.5692G>A, p.Glu1898Lys (NM_001378891.1); c.5704G>A, p.Glu1902Lys (NM_002944.3); short protein forms E1902K, E1896K, E1898K.
Identifiers: ClinVar variation 770558 (VCV000770558.11), dbSNP rs9489124, ClinGen allele CA3974311.